The following is an entry in ClinVar:

ClinVar aggregate classification (germline): Uncertain significance (1 of 4 stars; one submission).

Conditions:
Baller-Gerold syndrome (BGS). Also called: CRANIOSYNOSTOSIS WITH RADIAL DEFECTS. Identifiers: Orphanet 1225, MedGen C0265308, MONDO:0009039, OMIM 218600.

Allele frequency attached by ClinVar (database versions not stated): gnomAD 0.00001.

Submission:

Labcorp Genetics (formerly Invitae), Labcorp
Classification: Uncertain significance for Baller-Gerold syndrome. Last evaluated: 2021-09-07. Review status: criteria provided, single submitter. Criteria: Invitae Variant Classification Sherloc (09022015). Collection method: clinical testing. Allele origin: germline.
Comment: Experimental studies and prediction algorithms are not available or were not evaluated, and the functional significance of this variant is currently unknown. This sequence change replaces arginine with proline at codon 8 of the RECQL4 protein (p.Arg8Pro). The arginine residue is weakly conserved and there is a moderate physicochemical difference between arginine and proline. The frequency data for this variant in the population databases is considered unreliable, as metrics indicate insufficient coverage at this position in the ExAC database. This variant has not been reported in the literature in individuals affected with RECQL4-related conditions. In summary, the available evidence is currently insufficient to determine the role of this variant in disease. Therefore, it has been classified as a Variant of Uncertain Significance.

NM_004260.4(RECQL4):c.23G>C (p.Arg8Pro)

Genes: RECQL4 (RecQ like helicase 4; minus strand), LOC130001411 (ATAC-STARR-seq lymphoblastoid silent region 19699; plus strand). Cytogenetic location: 8q24.3.
Variant type: single nucleotide variant.
Coding change: c.23G>C on transcript NM_004260.4 (MANE Select); coding-DNA position 23, G replaced by C.
Protein change: p.Arg8Pro; replaces arginine 8 with proline.
Molecular consequence: missense variant.
Genome position (GRCh38, 1-based): chr8:144,517,762, C>G on the plus strand (G>C on the coding strand, the complement: RECQL4 is on the minus strand). VCF-style: chr8-144517762-C-G. GRCh37 (hg19) VCF-style: chr8-145743146-C-G.
Other names: short protein forms R8P.
Identifiers: ClinVar variation 1445394 (VCV001445394.5), dbSNP rs896245546, ClinGen allele CA187691313.
Genomic context (GRCh38, chr8:144,517,762, plus strand): 5'-TGGCTCGGTCGCCGCCCGCGCTGCCGTCGGAACGCGCGCTCCCACGCCTGCAGCCGCTCC[C>G]GCACGTCCCGCAGCCGCTCCATGGCGCGCGCGCCCGCCCGGCCTCCGCGCTTGCGATCGT-3'
Protein context (NP_004251.4, residues 1-18): MERLRDV[Arg8Pro]ERLQAWERAF